The following is an entry in ClinVar:

ClinVar aggregate classification (germline): Conflicting classifications of pathogenicity. Review status: criteria provided, conflicting classifications (1 of 4 stars). 3 submissions from 3 submitters: Uncertain significance (2); Likely benign (1). Last evaluated 2026-01-17.

Conditions:
Autosomal recessive nonsyndromic hearing loss 1A (DFNB1A). Also called: GJB6-Related DFNB 1 Nonsyndromic Hearing Loss and Deafness; Connexin 26 deafness; Deafness nonsyndromic, Connexin 26 linked; Nonsyndromic Hearing Loss and Deafness, DFNB1; GJB2-Related Autosomal Recessive Nonsyndromic Hearing Loss; Deafness, autosomal recessive 1A. Identifiers: Orphanet 90636, MedGen C2673759, MONDO:0009076, OMIM 220290.

Allele frequency attached by ClinVar (database versions not stated): TOPMed below 0.00001; gnomAD 0.00001.
gnomAD v4.1: 69 of 1,613,102 alleles (0.0043%); highest among the groups gnomAD compares: South Asian, 0.072%; 2 homozygotes.

Submissions (3):

Labcorp Genetics (formerly Invitae), Labcorp
Classification: Likely benign. Last evaluated: 2026-01-17. Review status: criteria provided, single submitter. Criteria: Invitae Variant Classification Sherloc (09022015). Collection method: clinical testing. Allele origin: germline.

Women's Health and Genetics/Laboratory Corporation of America, LabCorp
Classification: Uncertain significance. Last evaluated: 2023-05-05. Review status: criteria provided, single submitter. Criteria: LabCorp Variant Classification Summary - May 2015. Collection method: clinical testing. Allele origin: germline.
Comment: Variant summary: GJB2 c.126G>T (p.Glu42Asp) results in a conservative amino acid change located in the Connexin, N-terminal domain (IPR013092) of the encoded protein sequence. Three of five in-silico tools predict a benign effect of the variant on protein function. The variant allele was found at a frequency of 8.8e-05 in 250838 control chromosomes (gnomAD), predominantly at a frequency of 0.00069 within the South Asian subpopulation in the gnomAD database, including 2 homozygotes. The observed variant frequency within South Asian control individuals in the gnomAD database is approximately 2 fold of the estimated maximal expected allele frequency for a pathogenic variant in GJB2 causing Non-Syndromic Hearing Loss phenotype (0.00034), suggesting that the variant is a benign polymorphism found primarily in populations of South Asian origin. c.126G>T has been reported in the literature in multiple individuals affected with Non-Syndromic Hearing Loss, showing both autosomal dominant and autosomal recessive modes of inheritance and segregating within families (e.g. Amritkumar_2018, van Beeck Calkoen_2019). These data indicate that the variant is likely to be associated with disease. To our knowledge, no experimental evidence demonstrating an impact on protein function has been reported. The following publications have been ascertained in the context of this evaluation (PMID: 29921236, 36048236, 31152317). Two ClinVar submitters have assessed the variant since 2014: one classified the variant as uncertain significance and one as likely benign. Based on the evidence outlined above, the variant was classified as uncertain significance.

Myriad Genetics, Inc.
Classification: Uncertain significance for Autosomal recessive nonsyndromic hearing loss 1A. Last evaluated: 2021-10-22. Review status: criteria provided, single submitter. Criteria: Myriad Women's Health Autosomal Recessive and X-Linked Classification Criteria (2021). Collection method: clinical testing. Allele origin: unknown.
Comment: NM_004004.5(GJB2):c.126G>T(E42D) is a missense variant classified as a variant of uncertain significance in the context of GJB2-related DFNB1 nonsyndromic hearing loss and deafness. E42D has been observed in cases with relevant disease (PMID: 29921236, 31152317). Functional assessments of this variant are not available in the literature. E42D has been observed in population frequency databases (gnomAD: SAS 0.07%). In summary, there is insufficient evidence to classify NM_004004.5(GJB2):c.126G>T(E42D) as pathogenic or benign. Please note: this variant was assessed in the context of healthy population screening.

Literature cited by the submitters: PubMed 31152317 (cited by Women's Health and Genetics/Laboratory Corporation of America, LabCorp and Myriad Genetics, Inc.); PubMed 29921236 (cited by Women's Health and Genetics/Laboratory Corporation of America, LabCorp and Myriad Genetics, Inc.); PubMed 36048236 (cited by Women's Health and Genetics/Laboratory Corporation of America, LabCorp).

NM_004004.6(GJB2):c.126G>T (p.Glu42Asp)

Gene: GJB2 (gap junction protein beta 2; minus strand). Cytogenetic location: 13q12.11.
Variant type: single nucleotide variant.
Coding change: c.126G>T on transcript NM_004004.6 (MANE Select); coding-DNA position 126, G replaced by T.
Protein change: p.Glu42Asp; replaces glutamic acid 42 with aspartic acid.
Molecular consequence: missense variant.
Genome position (GRCh38, 1-based): chr13:20,189,456, C>A on the plus strand (G>T on the coding strand, the complement: GJB2 is on the minus strand). VCF-style: chr13-20189456-C-A. GRCh37 (hg19) VCF-style: chr13-20763595-C-A.
Other names: c.126G>T (NM_004004.5); short protein forms E42D.
Identifiers: ClinVar variation 1334162 (VCV001334162.9), dbSNP rs535635403, ClinGen allele CA6904314.